The following is an entry in ClinVar:

NM_005633.4(SOS1):c.2167+16del

Gene: SOS1 (SOS Ras/Rac guanine nucleotide exchange factor 1; minus strand). Cytogenetic location: 2p22.1.
Variant type: Deletion.
Coding change: c.2167+16del on transcript NM_005633.4 (MANE Select); 16 bases into the intron after coding-DNA position 2167, one base deleted (T; older notation c.2167+16delT).
Molecular consequence: intron variant.
Genome position (GRCh38, 1-based): chr2:39,013,444, A deleted on the plus strand (T on the coding strand, the reverse complement: SOS1 is on the minus strand); the first of 11 consecutive A bases (chr2:39,013,444-39,013,454); deleting any one gives the same sequence. VCF-style (leftmost placement, unchanged base first): chr2-39013443-TA-T. GRCh37 (hg19) VCF-style: chr2-39240584-TA-T.
Other names: c.2167+16delT (NM_005633.3); c.2146+16del (NM_001382394.1); c.2167+16del (NM_001382395.1).
Identifiers: ClinVar variation 632999 (VCV000632999.29), dbSNP rs79984786, ClinGen allele CA1624453.

ClinVar aggregate classification (germline): Benign/Likely benign. Review status: criteria provided, multiple submitters, no conflicts (2 of 4 stars). 6 submissions from 5 submitters: Benign (5); Likely benign (1). Last evaluated 2026-01-27.

Conditions:
Noonan syndrome 4 (NS4). Also called: NOONAN SYNDROME WITH PIGMENTED VILLONODULAR SYNOVITIS; SOS1-Related Noonan Syndrome. Identifiers: Orphanet 648, MedGen C1853120, MONDO:0012547, OMIM 610733.
Fibromatosis, gingival, 1 (GINGF1). Identifiers: Orphanet 2024, MedGen C4551558, MONDO:0007609, OMIM 135300.
RASopathy. Also called: rasopathies; Noonan spectrum disorder. Identifiers: Orphanet 536391, MedGen C5555857, MONDO:0021060.

Submissions (6):

Labcorp Genetics (formerly Invitae), Labcorp
Classification: Benign for RASopathy. Last evaluated: 2026-01-27. Review status: criteria provided, single submitter. Criteria: Invitae Variant Classification Sherloc (09022015). Collection method: clinical testing. Allele origin: germline.

ARUP Laboratories, Molecular Genetics and Genomics, ARUP Laboratories
Classification: Likely benign. Last evaluated: 2025-07-10. Review status: criteria provided, single submitter. Criteria: ARUP Molecular Germline Variant Investigation Process 2024. Collection method: clinical testing. Allele origin: germline.

GeneDx
Classification: Benign. Last evaluated: 2019-08-13. Review status: criteria provided, single submitter. Criteria: GeneDx Variant Classification Process June 2021. Collection method: clinical testing. Allele origin: germline. Affected: yes.

Women's Health and Genetics/Laboratory Corporation of America, LabCorp
Classification: Benign. Last evaluated: 2018-05-03. Review status: criteria provided, single submitter. Criteria: LabCorp Variant Classification Summary - May 2015. Collection method: clinical testing. Allele origin: germline.
Comment: Variant summary: SOS1 c.2167+16delT alters a non-conserved nucleotide located close to a canonical splice site and therefore could affect mRNA splicing, leading to a significantly altered protein sequence. 5/5 computational tools predict no significant impact on normal splicing. However, these predictions have yet to be confirmed by functional studies. The variant allele was found at a frequency of 0.098 in 75776 control chromosomes. The observed variant frequency is approximately 3267 fold above the estimated maximal expected allele frequency for a pathogenic variant in SOS1 causing Noonan Syndrome and Related Conditions phenotype (3e-05), strongly suggesting that the variant is benign. To our knowledge, no occurrence of c.2167+16delT in individuals affected with Noonan Syndrome and Related Conditions and no experimental evidence demonstrating its impact on protein function have been reported. No clinical diagnostic laboratories have submitted clinical-significance assessments for this variant to ClinVar after 2014. Based on the evidence outlined above, the variant was classified as benign.

Genome-Nilou Lab
Classification: Benign for Noonan syndrome 4. Review status: criteria provided, single submitter. Criteria: ACMG Guidelines, 2015. Collection method: clinical testing. Allele origin: germline.

Genome-Nilou Lab
Classification: Benign for Fibromatosis, gingival, 1. Review status: criteria provided, single submitter. Criteria: ACMG Guidelines, 2015. Collection method: clinical testing. Allele origin: germline.